The following is an entry in ClinVar:

NM_000535.7(PMS2):c.2084T>A (p.Ile695Asn)

Gene: PMS2 (PMS1 homolog 2, mismatch repair system component; minus strand). Cytogenetic location: 7p22.1.
Variant type: single nucleotide variant.
Coding change: c.2084T>A on transcript NM_000535.7 (MANE Select); coding-DNA position 2084, T replaced by A.
Protein change: p.Ile695Asn; replaces isoleucine 695 with asparagine.
Molecular consequence: missense variant. On other transcripts: non-coding transcript variant (1).
Genome position (GRCh38, 1-based): chr7:5,982,914, A>T on the plus strand (T>A on the coding strand, the complement: PMS2 is on the minus strand). VCF-style: chr7-5982914-A-T. GRCh37 (hg19) VCF-style: chr7-6022545-A-T.
Other names: c.1679T>A, p.Ile560Asn (NM_001018040.1, NM_001322003.2, NM_001322004.2 and 15 more transcripts); c.1928T>A, p.Ile643Asn (NM_001322006.2, NM_001406870.1); c.1766T>A, p.Ile589Asn (NM_001322007.2, NM_001322008.2, NM_001406876.1 and 1 more transcripts); c.1523T>A, p.Ile508Asn (NM_001322010.2, NM_001406906.1, NM_001406907.1); c.1151T>A, p.Ile384Asn (NM_001322011.2, NM_001322012.2); c.1511T>A, p.Ile504Asn (NM_001322013.2, NM_001406909.1); c.2084T>A, p.Ile695Asn (NM_001322014.2, NM_001406871.1); c.1775T>A, p.Ile592Asn (NM_001322015.2, NM_001406875.1, NM_001406877.1 and 5 more transcripts); and 13 more; short protein forms I629N, I643N, I659N, I695N, I703N, I504N, I524N, I560N.
Identifiers: ClinVar variation 1785617 (VCV001785617.2), dbSNP rs2535542336, ClinGen allele CA366738033.

ClinVar aggregate classification (germline): Uncertain significance (1 of 4 stars; one submission).

Conditions:
Hereditary cancer-predisposing syndrome. Also called: Neoplastic Syndromes, Hereditary; Tumor predisposition; Hereditary Cancer Syndrome; Hereditary neoplastic syndrome. Identifiers: Orphanet 140162, MedGen C0027672, MeSH D009386, MONDO:0015356.

Submission:

Ambry Genetics
Classification: Uncertain significance for Hereditary cancer-predisposing syndrome. Last evaluated: 2018-03-22. Review status: criteria provided, single submitter. Criteria: Ambry Variant Classification Scheme 2023. Collection method: clinical testing. Allele origin: germline.
Comment: The p.I695N variant (also known as c.2084T>A), located in coding exon 12 of the PMS2 gene, results from a T to A substitution at nucleotide position 2084. The isoleucine at codon 695 is replaced by asparagine, an amino acid with dissimilar properties. This amino acid position is poorly conserved in available vertebrate species. In addition, the in silico prediction for this alteration is inconclusive. Since supporting evidence is limited at this time, the clinical significance of this alteration remains unclear.